The following is an entry in ClinVar:

NM_000444.6(PHEX):c.1483-1G>A

Gene: PHEX (phosphate regulating endopeptidase X-linked; plus strand). Cytogenetic location: Xp22.11.
Variant type: single nucleotide variant.
Coding change: c.1483-1G>A on transcript NM_000444.6 (MANE Select); the canonical splice acceptor site of the intron before coding-DNA position 1483, G replaced by A.
Molecular consequence: splice acceptor variant.
Genome position (GRCh38, 1-based): chrX:22,178,272, G>A. VCF-style: chrX-22178272-G-A. GRCh37 (hg19) VCF-style: chrX-22196389-G-A.
Other names: c.1483-1G>A (NM_001282754.2).
Identifiers: ClinVar variation 372458 (VCV000372458.12), dbSNP rs1057517794, ClinGen allele CA16043203.

ClinVar aggregate classification (germline): Pathogenic. Review status: criteria provided, multiple submitters, no conflicts (2 of 4 stars). 2 submissions from 2 submitters: Pathogenic (2). Last evaluated 2023-02-01.

Submissions (2):

Labcorp Genetics (formerly Invitae), Labcorp
Classification: Pathogenic. Last evaluated: 2023-02-01. Review status: criteria provided, single submitter. Criteria: Invitae Variant Classification Sherloc (09022015). Collection method: clinical testing. Allele origin: germline.
Comment: For these reasons, this variant has been classified as Pathogenic. This sequence change affects an acceptor splice site in intron 13 of the PHEX gene. It is expected to disrupt RNA splicing. Variants that disrupt the donor or acceptor splice site typically lead to a loss of protein function (PMID: 16199547), and loss-of-function variants in PHEX are known to be pathogenic (PMID: 9097956, 9106524, 19219621). This variant is not present in population databases (gnomAD no frequency). Disruption of this splice site has been observed in individuals with hypophosphatemia (PMID: 22577109; Invitae). ClinVar contains an entry for this variant (Variation ID: 372458). Algorithms developed to predict the effect of sequence changes on RNA splicing suggest that this variant may disrupt the consensus splice site.

GeneDx
Classification: Pathogenic. Last evaluated: 2017-04-05. Review status: criteria provided, single submitter. Criteria: GeneDx Variant Classification (06012015). Collection method: clinical testing. Allele origin: germline. Affected: yes.
Comment: The IVS13-1 G>A splice site variant in the PHEX gene has been previously reported in association with X-linked hypophosphatemic rickets (Kinoshita et al., 2012). This pathogenic variant destroys the canonical splice acceptor site in intron 13, and is expected to cause abnormal gene splicing.

Literature cited by the submitters: PubMed 16199547 (cited by Labcorp Genetics (formerly Invitae), Labcorp); PubMed 9097956 (cited by Labcorp Genetics (formerly Invitae), Labcorp); PubMed 9106524 (cited by Labcorp Genetics (formerly Invitae), Labcorp); PubMed 19219621 (cited by Labcorp Genetics (formerly Invitae), Labcorp); PubMed 22577109 (cited by Labcorp Genetics (formerly Invitae), Labcorp).